The following is an entry in ClinVar:

ClinVar aggregate classification (germline): Benign (1 of 4 stars; one submission).

Allele frequency attached by ClinVar (database versions not stated): 1000 Genomes Project 0.01957; 1000 Genomes Project 30x 0.02046; TOPMed 0.02367.
gnomAD v4.1: 3,040 of 152,278 alleles (2%); highest among the groups gnomAD compares: African/African-American, 6.9%; 105 homozygotes.

Submission:

GeneDx
Classification: Benign. Last evaluated: 2018-06-14. Review status: criteria provided, single submitter. Criteria: GeneDx Variant Classification (06012015). Collection method: clinical testing. Allele origin: germline. Affected: yes.
Comment: This variant is considered likely benign or benign based on one or more of the following criteria: it is a conservative change, it occurs at a poorly conserved position in the protein, it is predicted to be benign by multiple in silico algorithms, and/or has population frequency not consistent with disease.

NM_001130438.3(SPTAN1):c.1222-226C>G

Gene: SPTAN1 (spectrin alpha, non-erythrocytic 1; plus strand). Cytogenetic location: 9q34.11.
Variant type: single nucleotide variant.
Coding change: c.1222-226C>G on transcript NM_001130438.3 (MANE Select); 226 bases into the intron before coding-DNA position 1222, C replaced by G.
Molecular consequence: intron variant.
Genome position (GRCh38, 1-based): chr9:128,579,411, C>G. VCF-style: chr9-128579411-C-G. GRCh37 (hg19) VCF-style: chr9-131341690-C-G.
Other names: c.1222-226C>G (NM_001363759.2, NM_003127.4, NM_001363765.2 and 1 more transcripts).
Identifiers: ClinVar variation 677659 (VCV000677659.1), dbSNP rs76220061, ClinGen allele CA200376266.